The following is an entry in ClinVar:

ClinVar aggregate classification (germline): Uncertain significance. Review status: criteria provided, multiple submitters, no conflicts (2 of 4 stars). 2 submissions from 2 submitters: Uncertain significance (2). Last evaluated 2025-07-15.

Allele frequency attached by ClinVar (database versions not stated): ExAC 0.00003; gnomAD 0.00003; TOPMed 0.00005; gnomAD exomes 0.00006.
gnomAD v4.1: 98 of 1,609,720 alleles (0.0061%); highest among the groups gnomAD compares: Non-Finnish European, 0.0078%; no homozygotes.

Submissions (2):

Ambry Genetics
Classification: Uncertain significance. Last evaluated: 2025-07-15. Review status: criteria provided, single submitter. Criteria: Ambry Variant Classification Scheme 2023. Collection method: clinical testing. Allele origin: germline.

Labcorp Genetics (formerly Invitae), Labcorp
Classification: Uncertain significance. Last evaluated: 2022-02-15. Review status: criteria provided, single submitter. Criteria: Invitae Variant Classification Sherloc (09022015). Collection method: clinical testing. Allele origin: germline.
Comment: This sequence change replaces arginine, which is basic and polar, with histidine, which is basic and polar, at codon 1087 of the TNS2 protein (p.Arg1087His). This variant is present in population databases (rs749914958, gnomAD 0.006%). This variant has not been reported in the literature in individuals affected with TNS2-related conditions. Algorithms developed to predict the effect of missense changes on protein structure and function output the following: SIFT: "Tolerated"; PolyPhen-2: "Benign"; Align-GVGD: "Class C0". The histidine amino acid residue is found in multiple mammalian species, which suggests that this missense change does not adversely affect protein function. In summary, the available evidence is currently insufficient to determine the role of this variant in disease. Therefore, it has been classified as a Variant of Uncertain Significance.

NM_170754.4(TNS2):c.3230G>A (p.Arg1077His)

Gene: TNS2 (tensin 2; plus strand). Cytogenetic location: 12q13.13.
Variant type: single nucleotide variant.
Coding change: c.3230G>A on transcript NM_170754.4 (MANE Select); coding-DNA position 3230, G replaced by A.
Protein change: p.Arg1077His; replaces arginine 1077 with histidine.
Molecular consequence: missense variant.
Genome position (GRCh38, 1-based): chr12:53,061,136, G>A. VCF-style: chr12-53061136-G-A. GRCh37 (hg19) VCF-style: chr12-53454920-G-A.
Other names: c.3230G>A, p.Arg1077His (NM_001416202.1); c.3188G>A, p.Arg1063His (NM_001416203.1); c.3257G>A, p.Arg1086His (NM_001416204.1); c.3161G>A, p.Arg1054His (NM_015319.3); c.2858G>A, p.Arg953His (NM_198316.2); short protein forms R1087H, R953H, R1077H, R1054H, R1063H, R1086H.
Identifiers: ClinVar variation 1973447 (VCV001973447.6), dbSNP rs749914958, ClinGen allele CA6592790.